The following is an entry in ClinVar:

ClinVar aggregate classification (germline): Uncertain significance (1 of 4 stars; one submission).

Allele frequency attached by ClinVar (database versions not stated): TOPMed below 0.00001.

Submission:

Labcorp Genetics (formerly Invitae), Labcorp
Classification: Uncertain significance. Last evaluated: 2022-08-06. Review status: criteria provided, single submitter. Criteria: Invitae Variant Classification Sherloc (09022015). Collection method: clinical testing. Allele origin: germline.
Comment: In summary, the available evidence is currently insufficient to determine the role of this variant in disease. Therefore, it has been classified as a Variant of Uncertain Significance. Algorithms developed to predict the effect of missense changes on protein structure and function are either unavailable or do not agree on the potential impact of this missense change (SIFT: "Deleterious"; PolyPhen-2: "Possibly Damaging"; Align-GVGD: "Class C0"). This variant has not been reported in the literature in individuals affected with MGME1-related conditions. This variant is not present in population databases (gnomAD no frequency). This sequence change replaces serine, which is neutral and polar, with phenylalanine, which is neutral and non-polar, at codon 58 of the MGME1 protein (p.Ser58Phe).

NM_052865.4(MGME1):c.173C>T (p.Ser58Phe)

Genes: MGME1 (mitochondrial genome maintenance exonuclease 1; plus strand), LOC126862983 (CDK7 strongly-dependent group 2 enhancer GRCh37_chr20:17950167-17951366; plus strand). Cytogenetic location: 20p11.23.
Variant type: single nucleotide variant.
Coding change: c.173C>T on transcript NM_052865.4 (MANE Select); coding-DNA position 173, C replaced by T.
Protein change: p.Ser58Phe; replaces serine 58 with phenylalanine.
Molecular consequence: missense variant.
Genome position (GRCh38, 1-based): chr20:17,970,032, C>T. VCF-style: chr20-17970032-C-T. GRCh37 (hg19) VCF-style: chr20-17950675-C-T.
Other names: c.173C>T, p.Ser58Phe (NM_001310338.2, NM_001310339.2, NM_001363738.2); short protein forms S58F.
Identifiers: ClinVar variation 2003863 (VCV002003863.4), dbSNP rs2035678509, ClinGen allele CA408338889.